The following is an entry in ClinVar:

NM_003106.4(SOX2):c.*5C>G

Genes: SOX2 (SRY-box transcription factor 2; plus strand), SOX2-OT (SOX2 overlapping transcript; plus strand). Cytogenetic location: 3q26.33.
Variant type: single nucleotide variant.
Coding change: c.*5C>G on transcript NM_003106.4 (MANE Select); 5 bases downstream of the stop codon, C replaced by G.
Molecular consequence: 3 prime UTR variant.
Genome position (GRCh38, 1-based): chr3:181,713,319, C>G. VCF-style: chr3-181713319-C-G. GRCh37 (hg19) VCF-style: chr3-181431107-C-G.
Identifiers: ClinVar variation 3336284 (VCV003336284.1).
Genomic context (GRCh38, chr3:181,713,319, plus strand): 5'-GCGGCCCGGTGCCCGGCACGGCCATTAACGGCACACTGCCCCTCTCACACATGTGAGGGC[C>G]GGACAGCGAACTGGAGGGGGGAGAAATTTTCAAAGAAAAACGAGGGAAATGGGAGGGGTG-3'

ClinVar aggregate classification (germline): Uncertain significance (1 of 4 stars; one submission).

Submission:

Women's Health and Genetics/Laboratory Corporation of America, LabCorp
Classification: Uncertain significance. Last evaluated: 2024-05-01. Review status: criteria provided, single submitter. Criteria: LabCorp Variant Classification Summary - May 2015. Collection method: clinical testing. Allele origin: germline.
Comment: Variant summary: SOX2 c.*5C>G is located in the untranslated mRNA region downstream of the termination codon. The variant allele was found at a frequency of 3.2e-05 in 31310 control chromosomes. The available data on variant occurrences in the general population are insufficient to allow any conclusion about variant significance. To our knowledge, no occurrence of c.*5C>G in individuals affected with Anophthalmia/microphthalmia-Esophageal Atresia Syndrome and no experimental evidence demonstrating its impact on protein function have been reported. No submitters have cited clinical-significance assessments for this variant to ClinVar. Based on the evidence outlined above, the variant was classified as uncertain significance.